The following is an entry in ClinVar:

NM_005051.3(QARS1):c.1527-6C>G

Gene: QARS1 (glutaminyl-tRNA synthetase 1; minus strand). Cytogenetic location: 3p21.31.
Variant type: single nucleotide variant.
Coding change: c.1527-6C>G on transcript NM_005051.3 (MANE Select); 6 bases into the intron before coding-DNA position 1527, C replaced by G.
Molecular consequence: intron variant.
Genome position (GRCh38, 1-based): chr3:49,099,437, G>C on the plus strand (C>G on the coding strand, the complement: QARS1 is on the minus strand). VCF-style: chr3-49099437-G-C. GRCh37 (hg19) VCF-style: chr3-49136870-G-C.
Other names: c.1494-6C>G (NM_001272073.2).
Identifiers: ClinVar variation 1308501 (VCV001308501.2), dbSNP rs1454109423, ClinGen allele CA543047820.
Genomic context (GRCh38, chr3:49,099,437, plus strand): 5'-GAAGCCCCGCCGTCGCAGGGCCGTGAGTGTAAAGAGCCGTGGGTCATCCCAGTCCCTGTG[G>C]ATAAGAAGGTGGTGAGAAGGCCTTTGGGAGCATATGCCATTAACCTTTCATAAGCCAAAC-3'

ClinVar aggregate classification (germline): Uncertain significance (1 of 4 stars; one submission).

Allele frequency attached by ClinVar (database versions not stated): gnomAD exomes below 0.00001 and 0.00001; TOPMed below 0.00001.
gnomAD v4.1: 3 of 1,614,204 alleles (0.00019%); highest among the groups gnomAD compares: Non-Finnish European, 0.00025%; no homozygotes.

Submission:

GeneDx
Classification: Uncertain significance. Last evaluated: 2019-04-02. Review status: criteria provided, single submitter. Criteria: GeneDx Variant Classification Process June 2021. Collection method: clinical testing. Allele origin: germline. Affected: yes.
Comment: Not observed at a significant frequency in large population cohorts (Lek et al., 2016); Has not been previously published as pathogenic or benign to our knowledge; In-silico analysis, which includes splice predictors and evolutionary conservation, is inconclusive as to whether the variant alters gene splicing. In the absence of RNA/functional studies, the actual effect of this sequence change is unknown.